The following is an entry in ClinVar:

NM_207037.2(TCF12):c.262G>T (p.Asp88Tyr)

Gene: TCF12 (transcription factor 12; plus strand). Cytogenetic location: 15q21.3.
Variant type: single nucleotide variant.
Coding change: c.262G>T on transcript NM_207037.2 (MANE Select); coding-DNA position 262, G replaced by T.
Protein change: p.Asp88Tyr; replaces aspartic acid 88 with tyrosine.
Molecular consequence: missense variant. On other transcripts: 5 prime UTR variant (1).
Genome position (GRCh38, 1-based): chr15:57,091,828, G>T. VCF-style: chr15-57091828-G-T. GRCh37 (hg19) VCF-style: chr15-57384026-G-T.
Other names: c.262G>T, p.Asp88Tyr (NM_001322151.2, NM_001322152.2, NM_001322157.3 and 7 more transcripts); c.-391G>T (NM_001322154.2); c.88G>T, p.Asp30Tyr (NM_001322156.2, NM_001322158.2); c.298G>T, p.Asp100Tyr (NM_001322164.2); short protein forms D30Y, D100Y, D88Y.
Identifiers: ClinVar variation 3646216 (VCV003646216.2).

ClinVar aggregate classification (germline): Uncertain significance (1 of 4 stars; one submission).

Submission:

Labcorp Genetics (formerly Invitae), Labcorp
Classification: Uncertain significance. Last evaluated: 2024-03-16. Review status: criteria provided, single submitter. Criteria: Invitae Variant Classification Sherloc (09022015). Collection method: clinical testing. Allele origin: germline.
Comment: This sequence change replaces aspartic acid, which is acidic and polar, with tyrosine, which is neutral and polar, at codon 88 of the TCF12 protein (p.Asp88Tyr). This variant is not present in population databases (gnomAD no frequency). This variant has not been reported in the literature in individuals affected with TCF12-related conditions. An algorithm developed to predict the effect of missense changes on protein structure and function (PolyPhen-2) suggests that this variant is likely to be disruptive. In summary, the available evidence is currently insufficient to determine the role of this variant in disease. Therefore, it has been classified as a Variant of Uncertain Significance.